The following is an entry in ClinVar:

ClinVar aggregate classification (germline): Uncertain significance (1 of 4 stars; one submission).

Allele frequency attached by ClinVar (database versions not stated): gnomAD exomes below 0.00001; TOPMed below 0.00001; gnomAD 0.00001; ExAC 0.00002.

Submission:

Labcorp Genetics (formerly Invitae), Labcorp
Classification: Uncertain significance. Last evaluated: 2021-12-21. Review status: criteria provided, single submitter. Criteria: Invitae Variant Classification Sherloc (09022015). Collection method: clinical testing. Allele origin: germline.
Comment: This sequence change replaces valine, which is neutral and non-polar, with isoleucine, which is neutral and non-polar, at codon 223 of the COQ2 protein (p.Val223Ile). This variant is present in population databases (rs768409758, gnomAD 0.003%). This variant has not been reported in the literature in individuals affected with COQ2-related conditions. Algorithms developed to predict the effect of missense changes on protein structure and function output the following: SIFT: "Tolerated"; PolyPhen-2: "Benign"; Align-GVGD: "Class C0". The isoleucine amino acid residue is found in multiple mammalian species, which suggests that this missense change does not adversely affect protein function. In summary, the available evidence is currently insufficient to determine the role of this variant in disease. Therefore, it has been classified as a Variant of Uncertain Significance.

NM_001358921.2(COQ2):c.517G>A (p.Val173Ile)

Gene: COQ2 (coenzyme Q2, polyprenyltransferase; minus strand). Cytogenetic location: 4q21.23.
Variant type: single nucleotide variant.
Coding change: c.517G>A on transcript NM_001358921.2 (MANE Select); coding-DNA position 517, G replaced by A.
Protein change: p.Val173Ile; replaces valine 173 with isoleucine.
Molecular consequence: missense variant.
Genome position (GRCh38, 1-based): chr4:83,273,521, C>T on the plus strand (G>A on the coding strand, the complement: COQ2 is on the minus strand). VCF-style: chr4-83273521-C-T. GRCh37 (hg19) VCF-style: chr4-84194674-C-T.
Other names: c.667G>A, p.Val223Ile (NM_015697.9); short protein forms V173I, V223I.
Identifiers: ClinVar variation 2163138 (VCV002163138.4), dbSNP rs768409758, ClinGen allele CA2988585.
Genomic context (GRCh38, chr4:83,273,521, plus strand): 5'-GATTTTATACATGATGTGGAAAACGTTTAATATACCTGTAGTAATTTAGACACAGAAGAA[C>T]ACCCAGTGCCAGGGTTAGCTGTCCCCCAAGAAAAACAAAGGACTGAAAAGTTGAAATGTC-3'
Protein context (NP_001345850.1, residues 163-183): LGGQLTLALG[Val173Ile]LLCLNYYSIA